The following is an entry in ClinVar:

NM_004380.3(CREBBP):c.2779A>C (p.Thr927Pro)

Gene: CREBBP (CREB binding lysine acetyltransferase; minus strand). Cytogenetic location: 16p13.3.
Variant type: single nucleotide variant.
Coding change: c.2779A>C on transcript NM_004380.3 (MANE Select); coding-DNA position 2779, A replaced by C.
Protein change: p.Thr927Pro; replaces threonine 927 with proline.
Molecular consequence: missense variant.
Genome position (GRCh38, 1-based): chr16:3,770,671, T>G on the plus strand (A>C on the coding strand, the complement: CREBBP is on the minus strand). VCF-style: chr16-3770671-T-G. GRCh37 (hg19) VCF-style: chr16-3820672-T-G.
Other names: c.2665A>C, p.Thr889Pro (NM_001079846.1); c.2779A>C (NM_004380.2); short protein forms T889P, T927P.
Identifiers: ClinVar variation 3608433 (VCV003608433.4).

ClinVar aggregate classification (germline): Uncertain significance. Review status: criteria provided, multiple submitters, no conflicts (2 of 4 stars). 3 submissions from 3 submitters: Uncertain significance (3). Last evaluated 2026-05-07.

Conditions:
Rubinstein-Taybi syndrome (RSTS). Identifiers: Orphanet 783, MedGen C0035934, MONDO:0019188.
CREBBP-related disorder. Also called: CREBBP-related condition; CREBBP-related disorders.

Submissions (3):

PreventionGenetics, part of Exact Sciences
Classification: Uncertain significance for CREBBP-related condition. Last evaluated: 2026-05-07. Review status: criteria provided, single submitter. Criteria: ACMG Guidelines, 2015. Collection method: clinical testing. Allele origin: germline.
Comment: The CREBBP c.2779A>C variant is predicted to result in the amino acid substitution p.Thr927Pro. To our knowledge, this variant has not been reported in the literature or in a large population database (gnomAD), indicating this variant is rare. At this time, the clinical significance of this variant is uncertain due to the absence of conclusive functional and genetic evidence.

GeneDx
Classification: Uncertain significance. Last evaluated: 2025-01-28. Review status: criteria provided, single submitter. Criteria: GeneDx Variant Classification Process June 2021. Collection method: clinical testing. Allele origin: germline. Affected: yes.
Comment: Not observed at significant frequency in large population cohorts (gnomAD); In silico analysis indicates that this missense variant does not alter protein structure/function; Has not been previously published as pathogenic or benign to our knowledge

Labcorp Genetics (formerly Invitae), Labcorp
Classification: Uncertain significance for Rubinstein-Taybi syndrome. Last evaluated: 2025-01-17. Review status: criteria provided, single submitter. Criteria: Invitae Variant Classification Sherloc (09022015). Collection method: clinical testing. Allele origin: germline.
Comment: This sequence change replaces threonine, which is neutral and polar, with proline, which is neutral and non-polar, at codon 927 of the CREBBP protein (p.Thr927Pro). This variant is not present in population databases (gnomAD no frequency). This variant has not been reported in the literature in individuals affected with CREBBP-related conditions. Invitae Evidence Modeling of protein sequence and biophysical properties (such as structural, functional, and spatial information, amino acid conservation, physicochemical variation, residue mobility, and thermodynamic stability) indicates that this missense variant is not expected to disrupt CREBBP protein function with a negative predictive value of 95%. In summary, the available evidence is currently insufficient to determine the role of this variant in disease. Therefore, it has been classified as a Variant of Uncertain Significance.